The following is an entry in ClinVar:

ClinVar aggregate classification (germline): Likely pathogenic (1 of 4 stars; one submission).

Conditions:
Vici syndrome (VICIS). Identifiers: Orphanet 1493, MedGen C1855772, MONDO:0009452, OMIM 242840.

Submission:

Labcorp Genetics (formerly Invitae), Labcorp
Classification: Likely pathogenic for Vici syndrome. Last evaluated: 2022-08-27. Review status: criteria provided, single submitter. Criteria: Invitae Variant Classification Sherloc (09022015). Collection method: clinical testing. Allele origin: germline.
Comment: Algorithms developed to predict the effect of sequence changes on RNA splicing suggest that this variant may disrupt the consensus splice site. This variant has not been reported in the literature in individuals affected with EPG5-related conditions. This variant is not present in population databases (gnomAD no frequency). This sequence change affects an acceptor splice site in intron 21 of the EPG5 gene. It is expected to disrupt RNA splicing. Variants that disrupt the donor or acceptor splice site typically lead to a loss of protein function (PMID: 16199547), and loss-of-function variants in EPG5 are known to be pathogenic (PMID: 23222957, 23674064). In summary, the currently available evidence indicates that the variant is pathogenic, but additional data are needed to prove that conclusively. Therefore, this variant has been classified as Likely Pathogenic.

Literature cited by the submitters: PubMed 16199547; PubMed 23222957; PubMed 23674064.

NM_020964.3(EPG5):c.3817-2A>G

Gene: EPG5 (ectopic P-granules 5 autophagy tethering factor; minus strand). Cytogenetic location: 18q21.1.
Variant type: single nucleotide variant.
Coding change: c.3817-2A>G on transcript NM_020964.3 (MANE Select); the canonical splice acceptor site of the intron before coding-DNA position 3817, A replaced by G.
Molecular consequence: splice acceptor variant.
Genome position (GRCh38, 1-based): chr18:45,912,458, T>C on the plus strand (A>G on the coding strand, the complement: EPG5 is on the minus strand). VCF-style: chr18-45912458-T-C. GRCh37 (hg19) VCF-style: chr18-43492423-T-C.
Other names: c.3817-2A>G (NM_001410858.1, NM_001410859.1).
Identifiers: ClinVar variation 2027267 (VCV002027267.4), dbSNP rs2511795260, ClinGen allele CA402341103.